The following is an entry in ClinVar:

NM_144508.5(KNL1):c.285-170G>A

Gene: KNL1 (kinetochore scaffold 1; plus strand). Cytogenetic location: 15q15.1.
Variant type: single nucleotide variant.
Coding change: c.285-170G>A on transcript NM_144508.5 (MANE Select); 170 bases into the intron before coding-DNA position 285, G replaced by A.
Molecular consequence: intron variant.
Genome position (GRCh38, 1-based): chr15:40,615,171, G>A. VCF-style: chr15-40615171-G-A. GRCh37 (hg19) VCF-style: chr15-40907369-G-A.
Other names: c.363-170G>A (NM_170589.5).
Identifiers: ClinVar variation 1699626 (VCV001699626.2), dbSNP rs141343859, ClinGen allele CA268818799.

ClinVar aggregate classification (germline): Likely benign (1 of 4 stars; one submission).

Allele frequency attached by ClinVar (database versions not stated): gnomAD 0.00655 and 0.00705; 1000 Genomes Project 0.00679; 1000 Genomes Project 30x 0.00703; TOPMed 0.00772.
gnomAD v4.1: 991 of 152,138 alleles (0.65%); highest among the groups gnomAD compares: African/African-American, 2.2%; 8 homozygotes.

Submission:

GeneDx
Classification: Likely benign. Last evaluated: 2022-02-01. Review status: criteria provided, single submitter. Criteria: GeneDx Variant Classification Process June 2021. Collection method: clinical testing. Allele origin: germline. Affected: yes.
Comment: See Variant Classification Assertion Criteria.